The following is an entry in ClinVar:

ClinVar aggregate classification (germline): Likely benign. Review status: criteria provided, single submitter (1 of 4 stars). 2 submissions from 2 submitters: Likely benign (1). 1 of the submissions does not count toward it. Last evaluated 2025-09-15.

Conditions:
NEK1-related disorder. Also called: NEK1-related condition.
Short-rib thoracic dysplasia 6 with or without polydactyly (SRTD6). Also called: POLYDACTYLY WITH NEONATAL CHONDRODYSTROPHY, TYPE II; SHORT-RIB THORACIC DYSPLASIA 6 WITH POLYDACTYLY; SHORT RIB-POLYDACTYLY SYNDROME, TYPE IIA; Majewski Syndrome; SHORT-RIB THORACIC DYSPLASIA 6 WITHOUT POLYDACTYLY. Identifiers: MedGen C0024507, MONDO:0009894, OMIM 263520.

Allele frequency attached by ClinVar (database versions not stated): ExAC 0.00002; ESP Exome Variant Server 0.00008.
gnomAD v4.1: 23 of 1,613,212 alleles (0.0014%); highest among the groups gnomAD compares: Non-Finnish European, 0.0016%; no homozygotes.

Submissions (2):

Labcorp Genetics (formerly Invitae), Labcorp
Classification: Likely benign for Short-rib thoracic dysplasia 6 with or without polydactyly. Last evaluated: 2025-09-15. Review status: criteria provided, single submitter. Criteria: Invitae Variant Classification Sherloc (09022015). Collection method: clinical testing. Allele origin: germline.

PreventionGenetics, part of Exact Sciences
Classification: Likely benign for NEK1-related condition. Last evaluated: 2022-12-12. Review status: no assertion criteria provided. Collection method: clinical testing. Allele origin: germline. Not counted in ClinVar's aggregate classification.
Comment: This variant is classified as likely benign based on ACMG/AMP sequence variant interpretation guidelines (Richards et al. 2015 PMID: 25741868, with internal and published modifications).

NM_001199397.3(NEK1):c.3579C>T (p.His1193=)

Gene: NEK1 (NIMA related kinase 1; minus strand). Cytogenetic location: 4q33.
Variant type: single nucleotide variant.
Coding change: c.3579C>T on transcript NM_001199397.3 (MANE Select); coding-DNA position 3579, C replaced by T.
Protein change: p.His1193=; no amino-acid change (histidine 1193 retained).
Molecular consequence: synonymous variant. On other transcripts: non-coding transcript variant (1).
Genome position (GRCh38, 1-based): chr4:169,401,656, G>A on the plus strand (C>T on the coding strand, the complement: NEK1 is on the minus strand). VCF-style: chr4-169401656-G-A. GRCh37 (hg19) VCF-style: chr4-170322807-G-A.
Other names: c.3447C>T, p.His1149= (NM_001199398.3); c.3288C>T, p.His1096= (NM_001199399.3); c.3363C>T, p.His1121= (NM_001199400.3); c.3579C>T, p.His1193= (NM_001374418.1); c.3495C>T, p.His1165= (NM_001374419.1, NM_012224.4); c.3444C>T, p.His1148= (NM_001374420.1); c.3096C>T, p.His1032= (NM_001374421.1); c.3495C>T (NM_012224.2).
Identifiers: ClinVar variation 2060120 (VCV002060120.6), dbSNP rs370914189, ClinGen allele CA3137138.
Genomic context (GRCh38, chr4:169,401,656, plus strand): 5'-TACTTGAAATATTTGTAAACTGAAAAAGAAAAAGGTCCAAAACTCTGATCATGCACCTGA[G>A]TGCCATTCTTCGTTCAGGGCACTTTCACTGCTGGGATTGTCATCTTCATCTGCCACATCT-3'
Protein context (NP_001186326.1, residues 1183-1203): SSESALNEEW[His1193=]SDNSDGEIAS